The following is an entry in ClinVar:

NM_001369.3(DNAH5):c.594G>C (p.Glu198Asp)

Gene: DNAH5 (dynein axonemal heavy chain 5; minus strand). Cytogenetic location: 5p15.2.
Variant type: single nucleotide variant.
Coding change: c.594G>C on transcript NM_001369.3 (MANE Select); coding-DNA position 594, G replaced by C.
Protein change: p.Glu198Asp; replaces glutamic acid 198 with aspartic acid.
Molecular consequence: missense variant.
Genome position (GRCh38, 1-based): chr5:13,922,173, C>G on the plus strand (G>C on the coding strand, the complement: DNAH5 is on the minus strand). VCF-style: chr5-13922173-C-G. GRCh37 (hg19) VCF-style: chr5-13922282-C-G.
Other names: short protein forms E198D.
Identifiers: ClinVar variation 2451382 (VCV002451382.2), dbSNP rs769718109, ClinGen allele CA359222387.
Genomic context (GRCh38, chr5:13,922,173, plus strand): 5'-CTTCAGACTCTCCTGTGCACCCGACAGGACGTTCACAAAGCCTTCCAGGGAGCTCAAGAA[C>G]TCCTGGCGAATGTTAGCTGCGTCCTGAAGGCCCTCGAGCTCGCCCCAGCCATGGCTCGTG-3'
Protein context (NP_001360.1, residues 188-208): GLQDAANIRQ[Glu198Asp]FLSSLEGFVN

ClinVar aggregate classification (germline): Uncertain significance (1 of 4 stars; one submission).

Conditions:
Primary ciliary dyskinesia. Also called: Ciliary dyskinesia. Identifiers: Orphanet 244, MedGen C0008780, MONDO:0016575, HP:0012265.

Submission:

Ambry Genetics
Classification: Uncertain significance for Primary ciliary dyskinesia. Last evaluated: 2022-11-17. Review status: criteria provided, single submitter. Criteria: Ambry Variant Classification Scheme 2023. Collection method: clinical testing. Allele origin: germline.
Comment: The p.E198D variant (also known as c.594G>C), located in coding exon 5 of the DNAH5 gene, results from a G to C substitution at nucleotide position 594. The glutamic acid at codon 198 is replaced by aspartic acid, an amino acid with highly similar properties. This amino acid position is conserved. In addition, this alteration is predicted to be tolerated by in silico analysis. Since supporting evidence is limited at this time, the clinical significance of this alteration remains unclear.